The following is an entry in ClinVar:

NM_006767.4(LZTR1):c.1787A>G (p.Glu596Gly)

Gene: LZTR1 (leucine zipper like post translational regulator 1; plus strand). Cytogenetic location: 22q11.21.
Variant type: single nucleotide variant.
Coding change: c.1787A>G on transcript NM_006767.4 (MANE Select); coding-DNA position 1787, A replaced by G.
Protein change: p.Glu596Gly; replaces glutamic acid 596 with glycine.
Molecular consequence: missense variant.
Genome position (GRCh38, 1-based): chr22:20,994,871, A>G. VCF-style: chr22-20994871-A-G. GRCh37 (hg19) VCF-style: chr22-21349160-A-G.
Other names: short protein forms E596G.
Identifiers: ClinVar variation 1780107 (VCV001780107.11), dbSNP rs961282168, ClinGen allele CA322270029.

ClinVar aggregate classification (germline): Uncertain significance. Review status: criteria provided, multiple submitters, no conflicts (2 of 4 stars). 3 submissions from 3 submitters: Uncertain significance (3). Last evaluated 2026-01-11.

Conditions:
Cardiovascular phenotype. Identifiers: MedGen CN230736.
Hereditary cancer-predisposing syndrome. Also called: Hereditary neoplastic syndrome; Neoplastic Syndromes, Hereditary; Tumor predisposition; Hereditary Cancer Syndrome. Identifiers: Orphanet 140162, MedGen C0027672, MeSH D009386, MONDO:0015356.

Allele frequency attached by ClinVar (database versions not stated): gnomAD exomes below 0.00001.
gnomAD v4.1: 2 of 1,613,156 alleles (0.00012%); highest among the groups gnomAD compares: Non-Finnish European, 0.00017%; no homozygotes.

Submissions (3):

Labcorp Genetics (formerly Invitae), Labcorp
Classification: Uncertain significance. Last evaluated: 2026-01-11. Review status: criteria provided, single submitter. Criteria: Invitae Variant Classification Sherloc (09022015). Collection method: clinical testing. Allele origin: germline.
Comment: This sequence change replaces glutamic acid, which is acidic and polar, with glycine, which is neutral and non-polar, at codon 596 of the LZTR1 protein (p.Glu596Gly). This variant is not present in population databases (gnomAD no frequency). This variant has not been reported in the literature in individuals affected with LZTR1-related conditions. ClinVar contains an entry for this variant (Variation ID: 1780107). An algorithm developed to predict the effect of missense changes on protein structure and function (PolyPhen-2) suggests that this variant is likely to be tolerated. In summary, the available evidence is currently insufficient to determine the role of this variant in disease. Therefore, it has been classified as a Variant of Uncertain Significance.

CeGaT Center for Human Genetics Tuebingen
Classification: Uncertain significance. Last evaluated: 2025-08-01. Review status: criteria provided, single submitter. Criteria: CeGaT Center For Human Genetics Tuebingen Variant Classification Criteria Version 2. Collection method: clinical testing. Allele origin: germline. Affected: yes. Observed: 1 variant allele.
Comment: LZTR1: PM2

Ambry Genetics
Classification: Uncertain significance for Cardiovascular phenotype; Hereditary cancer-predisposing syndrome. Last evaluated: 2023-01-20. Review status: criteria provided, single submitter. Criteria: Ambry Variant Classification Scheme 2023. Collection method: clinical testing. Allele origin: germline.
Comment: The c.1787A>G variant (also known as p.E596G), located in coding exon 16 of the LZTR1 gene, results from an A to G substitution at nucleotide position 1787. The glutamic acid at codon 596 is replaced by glycine, an amino acid with similar properties. This nucleotide position is highly conserved in available vertebrate species. In silico splice site analysis predicts that this alteration may result in the creation or strengthening of a novel splice acceptor site. RNA studies have demonstrated that this alteration results in an incomplete splice defect; the clinical impact of this abnormal splicing is unknown at this time (Ambry internal data). Since supporting evidence is limited at this time, the clinical significance of this alteration remains unclear.